The following is an entry in ClinVar:

NM_001276345.2(TNNT2):c.767A>G (p.Glu256Gly)

Gene: TNNT2 (troponin T2, cardiac type; minus strand). Cytogenetic location: 1q32.1.
Variant type: single nucleotide variant.
Coding change: c.767A>G on transcript NM_001276345.2 (MANE Select); coding-DNA position 767, A replaced by G.
Protein change: p.Glu256Gly; replaces glutamic acid 256 with glycine.
Molecular consequence: missense variant.
Genome position (GRCh38, 1-based): chr1:201,361,322, T>C on the plus strand (A>G on the coding strand, the complement: TNNT2 is on the minus strand). VCF-style: chr1-201361322-T-C. GRCh37 (hg19) VCF-style: chr1-201330450-T-C.
Other names: p.E246G:GAG>GGG; c.758A>G, p.Glu253Gly (NM_000364.4); c.737A>G, p.Glu246Gly (NM_001001430.3, NM_001276347.2); c.728A>G, p.Glu243Gly (NM_001001431.3); c.719A>G, p.Glu240Gly (NM_001001432.3); c.638A>G, p.Glu213Gly (NM_001276346.2); short protein forms E246G, E253G, E240G, E243G, E256G, E213G.
Identifiers: ClinVar variation 181628 (VCV000181628.4), dbSNP rs730881109, ClinGen allele CA005038.

ClinVar aggregate classification (germline): Uncertain significance (1 of 4 stars; one submission).

Submission:

GeneDx
Classification: Uncertain significance. Last evaluated: 2023-09-12. Review status: criteria provided, single submitter. Criteria: GeneDx Variant Classification Process June 2021. Collection method: clinical testing. Allele origin: germline. Affected: yes.
Comment: Identified in an individual with dilated cardiomyopathy/ restrictive cardiomyopathy phenotype with TNNT2 p.(E107*)(phase unknown) in conjunction with other cardiogenetic variants in the published literature (PMID: 33906374); Not observed at significant frequency in large population cohorts (gnomAD); In silico analysis supports that this missense variant has a deleterious effect on protein structure/function; This variant is associated with the following publications: (PMID: 27535533, 33906374)